The following is an entry in ClinVar:

NM_203290.4(POLR1C):c.677C>T (p.Ser226Leu)

Gene: POLR1C (RNA polymerase I and III subunit C; plus strand). Cytogenetic location: 6p21.1.
Variant type: single nucleotide variant.
Coding change: c.677C>T on transcript NM_203290.4 (MANE Select); coding-DNA position 677, C replaced by T.
Protein change: p.Ser226Leu; replaces serine 226 with leucine.
Molecular consequence: missense variant.
Genome position (GRCh38, 1-based): chr6:43,520,646, C>T. VCF-style: chr6-43520646-C-T. GRCh37 (hg19) VCF-style: chr6-43488384-C-T.
Other names: c.677C>T, p.Ser226Leu (NM_001318876.2, NM_001363658.2); short protein forms S226L.
Identifiers: ClinVar variation 4862353 (VCV004862353.1).

ClinVar aggregate classification (germline): Uncertain significance (1 of 4 stars; one submission).

Conditions:
Inborn genetic diseases. Identifiers: MedGen C0950123, MeSH D030342.

gnomAD v4.1: 3 of 1,614,180 alleles (0.00019%); highest among the groups gnomAD compares: Non-Finnish European, 0.00025%; no homozygotes.

Submission:

Ambry Genetics
Classification: Uncertain significance for Inborn genetic diseases. Last evaluated: 2026-04-28. Review status: criteria provided, single submitter. Criteria: Ambry Variant Classification Scheme 2023. Collection method: clinical testing. Allele origin: germline.
Comment: The c.677C>T (p.S226L) alteration is located in exon 7 (coding exon 7) of the POLR1C gene. This alteration results from a C to T substitution at nucleotide position 677, causing the serine (S) at amino acid position 226 to be replaced by a leucine (L). Based on data from gnomAD, the T allele has an overall frequency of <0.001% (1/251480) total alleles studied. The highest observed frequency was 0.001% (1/113756) of European (non-Finnish) alleles. Based on insufficient or conflicting evidence, the clinical significance of this alteration remains unclear.